The following is an entry in ClinVar:

ClinVar aggregate classification (germline): Uncertain significance (1 of 4 stars; one submission).

Conditions:
Hereditary cancer-predisposing syndrome. Also called: Hereditary Cancer Syndrome; Tumor predisposition; Hereditary neoplastic syndrome; Neoplastic Syndromes, Hereditary. Identifiers: Orphanet 140162, MedGen C0027672, MeSH D009386, MONDO:0015356.

Submission:

Ambry Genetics
Classification: Uncertain significance for Hereditary cancer-predisposing syndrome. Last evaluated: 2024-05-28. Review status: criteria provided, single submitter. Criteria: Ambry Variant Classification Scheme 2023. Collection method: clinical testing. Allele origin: germline.
Comment: The p.D125Y variant (also known as c.373G>T), located in coding exon 3 of the BRCA2 gene, results from a G to T substitution at nucleotide position 373. The aspartic acid at codon 125 is replaced by tyrosine, an amino acid with highly dissimilar properties. This amino acid position is not well conserved in available vertebrate species. In addition, this alteration is predicted to be tolerated by in silico analysis. Based on the available evidence, the clinical significance of this variant remains unclear.

NM_000059.4(BRCA2):c.373G>T (p.Asp125Tyr)

Gene: BRCA2 (BRCA2 DNA repair associated; plus strand). Cytogenetic location: 13q13.1.
Variant type: single nucleotide variant.
Coding change: c.373G>T on transcript NM_000059.4 (MANE Select); coding-DNA position 373, G replaced by T.
Protein change: p.Asp125Tyr; replaces aspartic acid 125 with tyrosine.
Molecular consequence: missense variant. On other transcripts: non-coding transcript variant (1).
Genome position (GRCh38, 1-based): chr13:32,325,132, G>T. VCF-style: chr13-32325132-G-T. GRCh37 (hg19) VCF-style: chr13-32899269-G-T.
Other names: c.373G>T, p.Asp125Tyr (NM_001406719.1, NM_001406720.1, NM_001406721.1); c.4G>T, p.Asp2Tyr (NM_001406722.1); short protein forms D125Y, D2Y.
Identifiers: ClinVar variation 3261606 (VCV003261606.1).